The following is an entry in ClinVar:

ClinVar aggregate classification (germline): Uncertain significance (1 of 4 stars; one submission).

Submission:

GeneDx
Classification: Uncertain significance. Last evaluated: 2026-03-11. Review status: criteria provided, single submitter. Criteria: GeneDx Variant Classification Process June 2021. Collection method: clinical testing. Allele origin: germline.
Comment: Not observed at significant frequency in large population cohorts (gnomAD); In silico analysis supports that this missense variant has a deleterious effect on protein structure/function; Has not been previously published as pathogenic or benign to our knowledge

NM_012479.4(YWHAG):c.623T>C (p.Leu208Pro)

Gene: YWHAG (tyrosine 3-monooxygenase/tryptophan 5-monooxygenase activation protein gamma; minus strand). Cytogenetic location: 7q11.23.
Variant type: single nucleotide variant.
Coding change: c.623T>C on transcript NM_012479.4 (MANE Select); coding-DNA position 623, T replaced by C.
Protein change: p.Leu208Pro; replaces leucine 208 with proline.
Molecular consequence: missense variant.
Genome position (GRCh38, 1-based): chr7:76,329,698, A>G on the plus strand (T>C on the coding strand, the complement: YWHAG is on the minus strand). VCF-style: chr7-76329698-A-G. GRCh37 (hg19) VCF-style: chr7-75959015-A-G.
Other names: short protein forms L208P.
Identifiers: ClinVar variation 5009036 (VCV005009036.1).